The following is an entry in ClinVar:

ClinVar aggregate classification (germline): Uncertain significance (1 of 4 stars; one submission).

gnomAD v4.1: 1 of 1,613,978 alleles (0.000062%); highest among the groups gnomAD compares: South Asian, 0.0011%; no homozygotes.

Submission:

Ambry Genetics
Classification: Uncertain significance. Last evaluated: 2023-12-23. Review status: criteria provided, single submitter. Criteria: Ambry Variant Classification Scheme 2023. Collection method: clinical testing. Allele origin: germline.
Comment: The p.P662A variant (also known as c.1984C>G), located in coding exon 13 of the NPAT gene, results from a C to G substitution at nucleotide position 1984. The proline at codon 662 is replaced by alanine, an amino acid with highly similar properties. This amino acid position is conserved. In addition, this alteration is predicted to be tolerated by in silico analysis. Since supporting evidence is limited at this time, the clinical significance of this alteration remains unclear.

NM_002519.3(NPAT):c.1984C>G (p.Pro662Ala)

Gene: NPAT (nuclear protein, coactivator of histone transcription; minus strand). Cytogenetic location: 11q22.3.
Variant type: single nucleotide variant.
Coding change: c.1984C>G on transcript NM_002519.3 (MANE Select); coding-DNA position 1984, C replaced by G.
Protein change: p.Pro662Ala; replaces proline 662 with alanine.
Molecular consequence: missense variant.
Genome position (GRCh38, 1-based): chr11:108,173,000, G>C on the plus strand (C>G on the coding strand, the complement: NPAT is on the minus strand). VCF-style: chr11-108173000-G-C. GRCh37 (hg19) VCF-style: chr11-108043727-G-C.
Other names: c.1984C>G, p.Pro662Ala (NM_001321307.1); short protein forms P662A.
Identifiers: ClinVar variation 3222505 (VCV003222505.1), dbSNP rs1420070144, ClinGen allele CA382513925.